The following is an entry in ClinVar:

ClinVar aggregate classification (germline): Pathogenic (1 of 4 stars; one submission).

Conditions:
Hereditary cancer-predisposing syndrome. Also called: Neoplastic Syndromes, Hereditary; Tumor predisposition; Hereditary Cancer Syndrome; Hereditary neoplastic syndrome. Identifiers: Orphanet 140162, MedGen C0027672, MeSH D009386, MONDO:0015356.

Submission:

Ambry Genetics
Classification: Pathogenic for Hereditary cancer-predisposing syndrome. Last evaluated: 2021-05-19. Review status: criteria provided, single submitter. Criteria: Ambry Variant Classification Scheme 2023. Collection method: clinical testing. Allele origin: germline.
Comment: The c.1161delT pathogenic mutation, located in coding exon 7 of the MSH3 gene, results from a deletion of one nucleotide at nucleotide position 1161, causing a translational frameshift with a predicted alternate stop codon (p.F387Lfs*28). This alteration is expected to result in loss of function by premature protein truncation or nonsense-mediated mRNA decay. As such, this alteration is interpreted as a disease-causing mutation.

NM_002439.5(MSH3):c.1161del (p.Phe387fs)

Gene: MSH3 (mutS homolog 3; plus strand). Cytogenetic location: 5q14.1.
Variant type: Deletion.
Coding change: c.1161del on transcript NM_002439.5 (MANE Select); coding-DNA position 1161, one base deleted (T; older notation c.1161delT).
Protein change: p.Phe387fs; shifts the reading frame from phenylalanine 387.
Molecular consequence: frameshift variant.
Genome position (GRCh38, 1-based): chr5:80,675,116, T deleted; the last of 5 consecutive T bases (chr5:80,675,112-80,675,116); deleting any one gives the same sequence. VCF-style (leftmost placement, unchanged base first): chr5-80675111-AT-A. GRCh37 (hg19) VCF-style: chr5-79970930-AT-A.
Other names: short protein forms F387fs.
Identifiers: ClinVar variation 1736917 (VCV001736917.2), dbSNP rs71539689, ClinGen allele CA121295233.
Genomic context (GRCh38, chr5:80,675,111, plus strand): 5'-AGCTATCTTCTGTGCATCTCTGAAAATAAGGAAAATGTTAGGGACAAAAAAAAGGGCAAC[AT>A]TTTTATTGGCATTGTGGTAAGTACTTTGCAGGTGAGGAACAAATGTTAGATGTTCATGGT-3'